The following is an entry in ClinVar:

ClinVar aggregate classification (germline): Uncertain significance. Review status: criteria provided, multiple submitters, no conflicts (2 of 4 stars). 4 submissions from 4 submitters: Uncertain significance (4). Last evaluated 2025-07-30.

Conditions:
Cardiovascular phenotype. Identifiers: MedGen CN230736.
Dilated cardiomyopathy 1W (CMD1W). Identifiers: Orphanet 154, MedGen C1969639, MONDO:0012667, OMIM 611407.

Allele frequency attached by ClinVar (database versions not stated): ExAC 0.00001; gnomAD 0.00001; gnomAD exomes 0.00001 and 0.00002; TOPMed 0.00001.
gnomAD v4.1: 17 of 1,613,588 alleles (0.0011%); highest among the groups gnomAD compares: Non-Finnish European, 0.0014%; no homozygotes.

Submissions (4):

Ambry Genetics
Classification: Uncertain significance for Cardiovascular phenotype. Last evaluated: 2025-07-30. Review status: criteria provided, single submitter. Criteria: Ambry Variant Classification Scheme 2023. Collection method: clinical testing. Allele origin: germline.
Comment: The p.E789K variant (also known as c.2365G>A), located in coding exon 16 of the VCL gene, results from a G to A substitution at nucleotide position 2365. The glutamic acid at codon 789 is replaced by lysine, an amino acid with similar properties. This amino acid position is well conserved in available vertebrate species. In addition, the in silico prediction for this alteration is inconclusive. Based on the available evidence, the clinical significance of this variant remains unclear.

Women's Health and Genetics/Laboratory Corporation of America, LabCorp
Classification: Uncertain significance. Last evaluated: 2025-05-28. Review status: criteria provided, single submitter. Criteria: LabCorp Variant Classification Summary - May 2015. Collection method: clinical testing. Allele origin: germline.

Labcorp Genetics (formerly Invitae), Labcorp
Classification: Uncertain significance for Dilated cardiomyopathy 1W. Last evaluated: 2024-10-24. Review status: criteria provided, single submitter. Criteria: Invitae Variant Classification Sherloc (09022015). Collection method: clinical testing. Allele origin: germline.
Comment: This sequence change replaces glutamic acid, which is acidic and polar, with lysine, which is basic and polar, at codon 789 of the VCL protein (p.Glu789Lys). This variant is present in population databases (rs745419923, gnomAD 0.005%). This variant has not been reported in the literature in individuals affected with VCL-related conditions. ClinVar contains an entry for this variant (Variation ID: 408951). An algorithm developed to predict the effect of missense changes on protein structure and function (PolyPhen-2) suggests that this variant¬†is likely to be tolerated. In summary, the available evidence is currently insufficient to determine the role of this variant in disease. Therefore, it has been classified as a Variant of Uncertain Significance.

GeneDx
Classification: Uncertain significance. Last evaluated: 2024-02-27. Review status: criteria provided, single submitter. Criteria: GeneDx Variant Classification Process June 2021. Collection method: clinical testing. Allele origin: germline. Affected: yes.
Comment: Has not been previously published as pathogenic or benign to our knowledge; In silico analysis supports that this missense variant does not alter protein structure/function

NM_014000.3(VCL):c.2365G>A (p.Glu789Lys)

Gene: VCL (vinculin; plus strand). Cytogenetic location: 10q22.2.
Variant type: single nucleotide variant.
Coding change: c.2365G>A on transcript NM_014000.3 (MANE Select); coding-DNA position 2365, G replaced by A.
Protein change: p.Glu789Lys; replaces glutamic acid 789 with lysine.
Molecular consequence: missense variant.
Genome position (GRCh38, 1-based): chr10:74,105,284, G>A. VCF-style: chr10-74105284-G-A. GRCh37 (hg19) VCF-style: chr10-75865042-G-A.
Other names: c.2365G>A, p.Glu789Lys (NM_003373.4); short protein forms E789K.
Identifiers: ClinVar variation 408951 (VCV000408951.14), dbSNP rs745419923, ClinGen allele CA5563194.
Genomic context (GRCh38, chr10:74,105,284, plus strand): 5'-AGGGAGGTGGAGAATTCCGAGGATCCCAAGTTCCGTGAGGCTGTGAAAGCTGCCTCTGAT[G>A]AATTGAGCAAAACCATCTCCCCGATGGTGATGGATGCAAAAGCTGTGGCTGGAAACATTT-3'
Protein context (NP_054706.1, residues 779-799): FREAVKAASD[Glu789Lys]LSKTISPMVM